The following is an entry in ClinVar:

ClinVar aggregate classification (germline): Uncertain significance (1 of 4 stars; one submission).

Conditions:
Alzheimer disease. Also called: Presenile and senile dementia; Alzheimer's disease. Identifiers: Orphanet 1020, MedGen C0002395, MeSH D000544, MONDO:0004975, HP:0002511.

gnomAD v4.1: 6 of 1,614,016 alleles (0.00037%); highest among the groups gnomAD compares: South Asian, 0.0055%; no homozygotes.

Submission:

Labcorp Genetics (formerly Invitae), Labcorp
Classification: Uncertain significance for Alzheimer disease. Last evaluated: 2024-11-24. Review status: criteria provided, single submitter. Criteria: Invitae Variant Classification Sherloc (09022015). Collection method: clinical testing. Allele origin: germline.
Comment: This sequence change replaces arginine, which is basic and polar, with glutamine, which is neutral and polar, at codon 180 of the APP protein (p.Arg180Gln). This variant is present in population databases (rs200898059, gnomAD no frequency). This variant has not been reported in the literature in individuals affected with APP-related conditions. Invitae Evidence Modeling of protein sequence and biophysical properties (such as structural, functional, and spatial information, amino acid conservation, physicochemical variation, residue mobility, and thermodynamic stability) indicates that this missense variant is not expected to disrupt APP protein function with a negative predictive value of 95%. In summary, the available evidence is currently insufficient to determine the role of this variant in disease. Therefore, it has been classified as a Variant of Uncertain Significance.

NM_000484.4(APP):c.539G>A (p.Arg180Gln)

Gene: APP (amyloid beta precursor protein; minus strand). Cytogenetic location: 21q21.3.
Variant type: single nucleotide variant.
Coding change: c.539G>A on transcript NM_000484.4 (MANE Select); coding-DNA position 539, G replaced by A.
Protein change: p.Arg180Gln; replaces arginine 180 with glutamine.
Molecular consequence: missense variant.
Genome position (GRCh38, 1-based): chr21:26,051,123, C>T on the plus strand (G>A on the coding strand, the complement: APP is on the minus strand). VCF-style: chr21-26051123-C-T. GRCh37 (hg19) VCF-style: chr21-27423439-C-T.
Other names: c.524G>A, p.Arg175Gln (NM_001136016.3); c.371G>A, p.Arg124Gln (NM_001136129.3, NM_001136130.3); c.434G>A, p.Arg145Gln (NM_001136131.3); c.539G>A, p.Arg180Gln (NM_001204301.2, NM_001204302.2, NM_001204303.2 and 3 more transcripts); short protein forms R124Q, R175Q, R145Q, R180Q.
Identifiers: ClinVar variation 3703815 (VCV003703815.2).
Genomic context (GRCh38, chr21:26,051,123, plus strand): 5'-TCAGCAGAATCCACATTGTCACTTTCTTCAGCCAGTGGGCAACACACAAACTCTACCCCT[C>T]GGAACTTGTCAATTCCGCAGGGCAGCAACATGCCGTAGTCATGCAAGTTGGTACTCTTCT-3'
Protein context (NP_000475.1, residues 170-190): MLLPCGIDKF[Arg180Gln]GVEFVCCPLA